The following is an entry in ClinVar:

ClinVar aggregate classification (germline): Uncertain significance. Review status: criteria provided, multiple submitters, no conflicts (2 of 4 stars). 2 submissions from 2 submitters: Uncertain significance (2). Last evaluated 2026-01-25.

Conditions:
Hereditary cancer-predisposing syndrome. Also called: Neoplastic Syndromes, Hereditary; Tumor predisposition; Hereditary Cancer Syndrome; Hereditary neoplastic syndrome. Identifiers: Orphanet 140162, MedGen C0027672, MeSH D009386, MONDO:0015356.
Hereditary breast ovarian cancer syndrome. Also called: Hereditary breast and ovarian cancer syndrome; Breast and ovarian cancer; Hereditary breast and ovarian cancer; Hereditary breast and/or ovarian cancer syndrome; BRCA1- and BRCA2-Associated Hereditary Breast and Ovarian Cancer; Hereditary breast and ovarian cancer syndrome (HBOC). Identifiers: Orphanet 145, MedGen C0677776, MeSH D061325, MONDO:0003582. Disease mechanism: loss of function.

Submissions (2):

Ambry Genetics
Classification: Uncertain significance for Hereditary cancer-predisposing syndrome. Last evaluated: 2026-01-25. Review status: criteria provided, single submitter. Criteria: Ambry Variant Classification Scheme 2023. Collection method: clinical testing. Allele origin: germline.
Comment: The p.E215A variant (also known as c.644A>C), located in coding exon 8 of the BRCA1 gene, results from an A to C substitution at nucleotide position 644. The glutamic acid at codon 215 is replaced by alanine, an amino acid with dissimilar properties. This amino acid position is conserved. In addition, this alteration is predicted to be deleterious by in silico analysis. Based on the available evidence, the clinical significance of this variant remains unclear.

Labcorp Genetics (formerly Invitae), Labcorp
Classification: Uncertain significance for Hereditary breast ovarian cancer syndrome. Last evaluated: 2021-12-30. Review status: criteria provided, single submitter. Criteria: Invitae Variant Classification Sherloc (09022015). Collection method: clinical testing. Allele origin: germline.
Comment: This variant is not present in population databases (gnomAD no frequency). This variant has not been reported in the literature in individuals affected with BRCA1-related conditions. Advanced modeling of protein sequence and biophysical properties (such as structural, functional, and spatial information, amino acid conservation, physicochemical variation, residue mobility, and thermodynamic stability) performed at Invitae indicates that this missense variant is not expected to disrupt BRCA1 protein function. In summary, the available evidence is currently insufficient to determine the role of this variant in disease. Therefore, it has been classified as a Variant of Uncertain Significance. This sequence change replaces glutamic acid, which is acidic and polar, with alanine, which is neutral and non-polar, at codon 215 of the BRCA1 protein (p.Glu215Ala).

NM_007294.4(BRCA1):c.644A>C (p.Glu215Ala)

Gene: BRCA1 (BRCA1 DNA repair associated; minus strand). Cytogenetic location: 17q21.31.
Variant type: single nucleotide variant.
Coding change: c.644A>C on transcript NM_007294.4 (MANE Select); coding-DNA position 644, A replaced by C.
Protein change: p.Glu215Ala; replaces glutamic acid 215 with alanine.
Molecular consequence: missense variant. On other transcripts: non-coding transcript variant (1).
Genome position (GRCh38, 1-based): chr17:43,095,872, T>G on the plus strand (A>C on the coding strand, the complement: BRCA1 is on the minus strand). VCF-style: chr17-43095872-T-G. GRCh37 (hg19) VCF-style: chr17-41247889-T-G.
Other names: c.431A>C, p.Glu144Ala (NM_001407571.1, NM_001407853.1, NM_001407894.1 and 12 more transcripts); c.644A>C, p.Glu215Ala (NM_001407581.1, NM_001407582.1, NM_001407583.1 and 59 more transcripts); c.641A>C, p.Glu214Ala (NM_001407587.1, NM_001407590.1, NM_001407611.1 and 41 more transcripts); c.635A>C, p.Glu212Ala (NM_001407646.1, NM_001407647.1, NM_001408408.1); c.566A>C, p.Glu189Ala (NM_001407653.1, NM_001407654.1, NM_001407655.1 and 9 more transcripts); c.563A>C, p.Glu188Ala (NM_001407659.1, NM_001407660.1, NM_001407661.1 and 3 more transcripts); c.503A>C, p.Glu168Ala (NM_001407692.1, NM_001407694.1, NM_001407695.1 and 43 more transcripts); c.500A>C, p.Glu167Ala (NM_001407740.1, NM_001407741.1, NM_001407742.1 and 26 more transcripts); and 4 more; short protein forms E144A, E188A, E214A, E145A, E167A, E170A, E212A, E87A.
Identifiers: ClinVar variation 2066186 (VCV002066186.5), dbSNP rs2552233287, ClinGen allele CA10600816.